The following is an entry in ClinVar:

ClinVar aggregate classification (germline): Likely benign. Review status: criteria provided, multiple submitters, no conflicts (2 of 4 stars). 2 submissions from 2 submitters: Likely benign (2). Last evaluated 2026-01-01.

Submissions (2):

CeGaT Center for Human Genetics Tuebingen
Classification: Likely benign. Last evaluated: 2026-01-01. Review status: criteria provided, single submitter. Criteria: CeGaT Center For Human Genetics Tuebingen Variant Classification Criteria Version 2. Collection method: clinical testing. Allele origin: germline. Affected: yes. Observed: 3 variant alleles.
Comment: TUBGCP2: BS1

Blueprint Genetics
Classification: Likely benign. Last evaluated: 2024-11-18. Review status: criteria provided, single submitter. Criteria: ACMG Guidelines, 2015. Collection method: clinical testing. Allele origin: germline.

NM_006659.4(TUBGCP2):c.1360+16_1360+17insGGCGCAGCGGGCAGGGACCTGGGGTCCTT

Gene: TUBGCP2 (tubulin gamma complex component 2; minus strand). Cytogenetic location: 10q26.3.
Variant type: Insertion.
Coding change: c.1360+16_1360+17insGGCGCAGCGGGCAGGGACCTGGGGTCCTT on transcript NM_006659.4 (MANE Select); bases 16 to 17 of the intron after coding-DNA position 1360, GGCGCAGCGGGCAGGGACCTGGGGTCCTT inserted.
Molecular consequence: intron variant.
Genome position: GRCh38 VCF-style: chr10-133289807-C-CGCCCGCTGCGCCAAGGACCCCAGGTCCCT. GRCh37 (hg19) VCF-style: chr10-135103311-C-CGCCCGCTGCGCCAAGGACCCCAGGTCCCT.
Other names: c.970+16_970+17insGGCGCAGCGGGCAGGGACCTGGGGTCCTT (NM_001256618.2); c.1444+16_1444+17insGGCGCAGCGGGCAGGGACCTGGGGTCCTT (NM_001256617.2).
Identifiers: ClinVar variation 1879149 (VCV001879149.30), dbSNP rs1554935332, ClinGen allele CA918798748.
Genomic context (GRCh38, chr10:133,289,807, plus strand): 5'-GGGAGGGCCTGGGCTGCAGGAGACTCTCCAGGCAGAGCTGTGCTGCGCACCCCAAGTCCC[C>CGCCCGCTGCGCCAAGGACCCCAGGTCCCT]GCCCGCTGCGCCGCACCTGTGCTGAGGATCTTGTCCGCCATTTTCTGCAGGAAGGACGGG-3'